The following is an entry in ClinVar:

ClinVar aggregate classification (germline): Likely benign (1 of 4 stars; one submission).

Submission:

CeGaT Center for Human Genetics Tuebingen
Classification: Likely benign. Last evaluated: 2024-11-01. Review status: criteria provided, single submitter. Criteria: CeGaT Center For Human Genetics Tuebingen Variant Classification Criteria Version 2. Collection method: clinical testing. Allele origin: germline. Affected: yes. Observed: 1 variant allele.
Comment: BAG6: BP4, BP7

NM_001387994.1(BAG6):c.2076T>C (p.Pro692=)

Gene: BAG6 (BAG cochaperone 6; minus strand). Cytogenetic location: 6p21.33.
Variant type: single nucleotide variant.
Coding change: c.2076T>C on transcript NM_001387994.1 (MANE Select); coding-DNA position 2076, T replaced by C.
Protein change: p.Pro692=; no amino-acid change (proline 692 retained).
Molecular consequence: synonymous variant. On other transcripts: intron variant (1).
Genome position (GRCh38, 1-based): chr6:31,642,371, A>G on the plus strand (T>C on the coding strand, the complement: BAG6 is on the minus strand). VCF-style: chr6-31642371-A-G. GRCh37 (hg19) VCF-style: chr6-31610148-A-G.
Other names: c.1968T>C, p.Pro656= (NM_001098534.2, NM_001199698.2, NM_001387940.1 and 12 more transcripts); c.1911T>C, p.Pro637= (NM_001387942.1, NM_001387963.1, NM_001388013.1); c.2076T>C, p.Pro692= (NM_001387943.1, NM_001387946.1, NM_001387954.1 and 7 more transcripts); c.1914T>C, p.Pro638= (NM_001387944.1, NM_001387964.1, NM_001387982.1 and 2 more transcripts); c.1965T>C, p.Pro655= (NM_001387949.1, NM_001387955.1, NM_001387987.1 and 4 more transcripts); c.2022T>C, p.Pro674= (NM_001387958.1, NM_001387991.1, NM_001387992.1); c.2073T>C, p.Pro691= (NM_001387983.1, NM_001387988.1, NM_001387993.1 and 5 more transcripts); c.2103T>C, p.Pro701= (NM_001387985.1, NM_001388012.1); and 5 more.
Identifiers: ClinVar variation 3388904 (VCV003388904.14).
Genomic context (GRCh38, chr6:31,642,371, plus strand): 5'-AGAAGGGGAGCCTGGTGGGGGCATGGTCTGCTGCTCTGGGGCAGGTGGTGGGGGTGGAGG[A>G]GGTGGGGGTGGTGGAGGGGCTGTCTGTGTTGCCTGGCAAATAAAGAAAGAACAAAGAACA-3'
Protein context (NP_001374923.1, residues 682-702): ATQTAPPPPP[Pro692=]PPPPPPAPEQ